The following is an entry in ClinVar:

ClinVar aggregate classification (germline): Conflicting classifications of pathogenicity. Review status: criteria provided, conflicting classifications (1 of 4 stars). 4 submissions from 4 submitters: Uncertain significance (3); Benign (1). Last evaluated 2026-07-23.

Conditions:
Inborn genetic diseases. Identifiers: MedGen C0950123, MeSH D030342.

Allele frequency attached by ClinVar (database versions not stated): TOPMed 0.00010; ESP Exome Variant Server 0.00008; 1000 Genomes Project 30x 0.00016; gnomAD 0.00015; 1000 Genomes Project 0.00020; gnomAD exomes 0.00002; ExAC 0.00008.
gnomAD v4.1: 56 of 1,608,316 alleles (0.0035%); highest among the groups gnomAD compares: African/African-American, 0.024%; no homozygotes.

Submissions (4):

GeneDx
Classification: Uncertain significance. Last evaluated: 2026-07-23. Review status: criteria provided, single submitter. Criteria: GeneDx Variant Classification Process June 2021. Collection method: clinical testing. Allele origin: germline.
Comment: In silico analysis supports that this missense variant has a deleterious effect on protein structure/function; Has not been previously published as pathogenic or benign to our knowledge; This variant is associated with the following publications: (PMID: 21520338, 31554319, 9590290)

Women's Health and Genetics/Laboratory Corporation of America, LabCorp
Classification: Uncertain significance. Last evaluated: 2025-10-23. Review status: criteria provided, single submitter. Criteria: LabCorp Variant Classification Summary - May 2015. Collection method: clinical testing. Allele origin: germline.
Comment: Variant summary: TECTA c.2737G>A (p.Gly913Ser) results in a non-conservative amino acid change in the encoded protein sequence. Algorithms developed to predict the effect of missense changes on protein structure and function are either unavailable or do not agree on the potential impact of this missense change. The variant allele was found at a frequency of 6e-05 in 248460 control chromosomes. This frequency is not significantly higher than estimated for disease-causing variants in TECTA, allowing no conclusion about variant significance. To our knowledge, no occurrence of c.2737G>A in individuals affected with TECTA-related conditions and no experimental evidence demonstrating its impact on protein function have been reported. ClinVar contains an entry for this variant (Variation ID: 2901240). Based on the evidence outlined above, the variant was classified as uncertain significance.

Ambry Genetics
Classification: Uncertain significance for Inborn genetic diseases. Last evaluated: 2025-04-07. Review status: criteria provided, single submitter. Criteria: Ambry Variant Classification Scheme 2023. Collection method: clinical testing. Allele origin: germline.

Labcorp Genetics (formerly Invitae), Labcorp
Classification: Benign. Last evaluated: 2024-11-29. Review status: criteria provided, single submitter. Criteria: Invitae Variant Classification Sherloc (09022015). Collection method: clinical testing. Allele origin: germline.

NM_005422.4(TECTA):c.2737G>A (p.Gly913Ser)

Genes: TBCEL-TECTA (TBCEL-TECTA readthrough; plus strand), TECTA (tectorin alpha; plus strand), LOC126861365 (P300/CBP strongly-dependent group 1 enhancer GRCh37_chr11:121000154-121001353; plus strand). Cytogenetic location: 11q23.3.
Variant type: single nucleotide variant.
Coding change: c.2737G>A on transcript NM_005422.4 (MANE Select); coding-DNA position 2737, G replaced by A.
Protein change: p.Gly913Ser; replaces glycine 913 with serine.
Molecular consequence: missense variant.
Genome position (GRCh38, 1-based): chr11:121,130,007, G>A. VCF-style: chr11-121130007-G-A. GRCh37 (hg19) VCF-style: chr11-121000716-G-A.
Other names: c.2737G>A (NM_005422.2); c.3694G>A, p.Gly1232Ser (NM_001378761.1); short protein forms G913S, G1232S.
Identifiers: ClinVar variation 2901240 (VCV002901240.7), dbSNP rs143998942, ClinGen allele CA6327054.